The following is an entry in ClinVar:

NM_013339.4(ALG6):c.914C>T (p.Thr305Met)

Gene: ALG6 (ALG6 alpha-1,3-glucosyltransferase; plus strand). Cytogenetic location: 1p31.3.
Variant type: single nucleotide variant.
Coding change: c.914C>T on transcript NM_013339.4 (MANE Select); coding-DNA position 914, C replaced by T.
Protein change: p.Thr305Met; replaces threonine 305 with methionine.
Molecular consequence: missense variant.
Genome position (GRCh38, 1-based): chr1:63,415,884, C>T. VCF-style: chr1-63415884-C-T. GRCh37 (hg19) VCF-style: chr1-63881555-C-T.
Other names: short protein forms T305M.
Identifiers: ClinVar variation 1443188 (VCV001443188.7), dbSNP rs546145736, ClinGen allele CA888299.

ClinVar aggregate classification (germline): Uncertain significance (1 of 4 stars; one submission).

Conditions:
ALG6-congenital disorder of glycosylation 1C (CDG1C). Also called: Congenital disorder of glycosylation, type Ic; CARBOHYDRATE-DEFICIENT GLYCOPROTEIN SYNDROME, TYPE I, WITH DEFICIENT GLYCOSYLATION OF DOLICHOL-LINKED OLIGOSACCHARIDE; CARBOHYDRATE-DEFICIENT GLYCOPROTEIN SYNDROME, TYPE V; Congenital disorder of glycosylation type 1C; CDG Ic. Identifiers: Orphanet 79320, MedGen C2930997, MONDO:0011291, OMIM 603147.

Allele frequency attached by ClinVar (database versions not stated): gnomAD 0.00001 and 0.00002; gnomAD exomes 0.00001 and 0.00004; TOPMed 0.00003; ExAC 0.00005.
gnomAD v4.1: 21 of 1,608,014 alleles (0.0013%); highest among the groups gnomAD compares: Admixed American, 0.0033%; no homozygotes.

Submissions (2):

Labcorp Genetics (formerly Invitae), Labcorp
Classification: Uncertain significance for ALG6-congenital disorder of glycosylation 1C. Last evaluated: 2025-05-07. Review status: criteria provided, single submitter. Criteria: Invitae Variant Classification Sherloc (09022015). Collection method: clinical testing. Allele origin: germline.
Comment: This sequence change replaces threonine, which is neutral and polar, with methionine, which is neutral and non-polar, at codon 305 of the ALG6 protein (p.Thr305Met). This variant is present in population databases (rs546145736, gnomAD 0.007%). This variant has not been reported in the literature in individuals affected with ALG6-related conditions. ClinVar contains an entry for this variant (Variation ID: 1443188). Invitae Evidence Modeling of protein sequence and biophysical properties (such as structural, functional, and spatial information, amino acid conservation, physicochemical variation, residue mobility, and thermodynamic stability) indicates that this missense variant is expected to disrupt ALG6 protein function with a positive predictive value of 95%. Algorithms developed to predict the effect of sequence changes on RNA splicing suggest that this variant may disrupt the consensus splice site. In summary, the available evidence is currently insufficient to determine the role of this variant in disease. Therefore, it has been classified as a Variant of Uncertain Significance.

Dr. Peter K. Rogan Lab, Western University
No classification provided (evidence only). Condition: Familial cancer of breast. Review status: no classification provided. Collection method: in vitro. Allele origin: not applicable. Functional consequence: retained intron. Not counted in ClinVar's aggregate classification.